The following is an entry in ClinVar:

ClinVar aggregate classification (germline): Likely benign. Review status: criteria provided, multiple submitters, no conflicts (2 of 4 stars). 4 submissions from 4 submitters: Likely benign (4). Last evaluated 2026-09-01.

Allele frequency attached by ClinVar (database versions not stated): 1000 Genomes Project 0.00060; 1000 Genomes Project 30x 0.00078; ESP Exome Variant Server 0.00085; TOPMed 0.00089.
gnomAD v4.1: 1,262 of 1,614,170 alleles (0.078%); highest among the groups gnomAD compares: Middle Eastern, 0.69%; 11 homozygotes.

Submissions (4):

CeGaT Center for Human Genetics Tuebingen
Classification: Likely benign. Last evaluated: 2026-09-01. Review status: criteria provided, single submitter. Criteria: CeGaT Center For Human Genetics Tuebingen Variant Classification Criteria Version 2. Collection method: clinical testing. Allele origin: germline. Affected: yes. Observed: 3 variant alleles.
Comment: CD96: BP4, BP7

Labcorp Genetics (formerly Invitae), Labcorp
Classification: Likely benign. Last evaluated: 2025-10-27. Review status: criteria provided, single submitter. Criteria: Invitae Variant Classification Sherloc (09022015). Collection method: clinical testing. Allele origin: germline.

Blueprint Genetics
Classification: Likely benign. Last evaluated: 2024-11-25. Review status: criteria provided, single submitter. Criteria: ACMG Guidelines, 2015. Collection method: clinical testing. Allele origin: germline.

Breakthrough Genomics
Classification: Likely benign. Review status: criteria provided, single submitter. Criteria: ACMG Guidelines, 2015. Collection method: not provided. Allele origin: germline. Inheritance: Autosomal dominant inheritance. Affected: yes.

NM_005816.5(CD96):c.177C>A (p.Ser59=)

Gene: CD96 (CD96 molecule; plus strand). Cytogenetic location: 3q13.13.
Variant type: single nucleotide variant.
Coding change: c.177C>A on transcript NM_005816.5 (MANE Select); coding-DNA position 177, C replaced by A.
Protein change: p.Ser59=; no amino-acid change (serine 59 retained).
Molecular consequence: synonymous variant. On other transcripts: non-coding transcript variant (1).
Genome position (GRCh38, 1-based): chr3:111,545,161, C>A. VCF-style: chr3-111545161-C-A. GRCh37 (hg19) VCF-style: chr3-111264008-C-A.
Other names: c.177C>A, p.Ser59= (NM_001318889.2, NM_198196.3).
Identifiers: ClinVar variation 342519 (VCV000342519.35), dbSNP rs145133367, ClinGen allele CA2534113.